The following is an entry in ClinVar:

ClinVar aggregate classification (germline): Pathogenic (1 of 4 stars; one submission).

Conditions:
Neurofibromatosis, type 1 (NF1). Also called: VON RECKLINGHAUSEN DISEASE; Peripheral type neurofibromatosis; NEUROFIBROMATOSIS, TYPE I, SOMATIC; Neurofibromatosis, type I. Identifiers: Orphanet 636, MedGen C0027831, MONDO:0018975, OMIM 162200. Disease mechanism: loss of function.

Submission:

Labcorp Genetics (formerly Invitae), Labcorp
Classification: Pathogenic for Neurofibromatosis, type 1. Last evaluated: 2020-01-28. Review status: criteria provided, single submitter. Criteria: Invitae Variant Classification Sherloc (09022015). Collection method: clinical testing. Allele origin: germline.
Comment: For these reasons, this variant has been classified as Pathogenic. Loss-of-function variants in NF1 are known to be pathogenic (PMID: 10712197, 23913538). This variant has not been reported in the literature in individuals with NF1-related conditions. This variant is not present in population databases (ExAC no frequency). This sequence change creates a premature translational stop signal (p.Thr1951Serfs*6) in the NF1 gene. It is expected to result in an absent or disrupted protein product.

Literature cited by the submitters: PubMed 10712197; PubMed 23913538.

NM_001042492.3(NF1):c.5911_5914dup (p.Thr1972fs)

Gene: NF1 (neurofibromin 1; plus strand). Cytogenetic location: 17q11.2.
Variant type: Duplication.
Coding change: c.5911_5914dup on transcript NM_001042492.3 (MANE Select); coding-DNA positions 5911 to 5914, 4 bases duplicated (GTTA; older notation c.5911_5914dupGTTA).
Protein change: p.Thr1972fs; shifts the reading frame from threonine 1972.
Molecular consequence: frameshift variant.
Genome position (GRCh38, 1-based): chr17:31,334,936-31,334,939, GTTA duplicated; duplicating any 4 consecutive bases within chr17:31,334,935-31,334,939 gives the same sequence; the c. name uses the placement nearest the transcript's 3' end. VCF-style (leftmost placement, unchanged base first): chr17-31334934-G-GAGTT. GRCh37 (hg19) VCF-style: chr17-29661952-G-GAGTT.
Other names: c.5848_5851dup, p.Thr1951Serfs (NM_000267.4); short protein forms T1951fs, T1972fs.
Identifiers: ClinVar variation 1076932 (VCV001076932.5), dbSNP rs2151550507, ClinGen allele CA2499224178.
Genomic context (GRCh38, chr17:31,334,934, plus strand): 5'-CTCCATGGCTGTCAAATCTAGTTCGTTTTTGCAAGCATAATGATGATGCCAAACGACAAA[G>GAGTT]AGTTACTGCTATTCTTGACAAGCTGATAACAATGACCATCAATGAAAAACAGATGTACCC-3'